The following is an entry in ClinVar:

ClinVar aggregate classification (germline): Benign. Review status: criteria provided, multiple submitters, no conflicts (2 of 4 stars). 2 submissions from 2 submitters: Benign (2). Last evaluated 2026-09-01.

Allele frequency attached by ClinVar (database versions not stated): 1000 Genomes Project 30x 0.00156; 1000 Genomes Project 0.00160; TOPMed 0.00342; gnomAD exomes 0.00388; ESP Exome Variant Server 0.00438; gnomAD 0.00442 and 0.00460; ExAC 0.00501.
gnomAD v4.1: 7,208 of 1,613,690 alleles (0.45%); highest among the groups gnomAD compares: Non-Finnish European, 0.55%; 44 homozygotes.

Submissions (2):

CeGaT Center for Human Genetics Tuebingen
Classification: Benign. Last evaluated: 2026-09-01. Review status: criteria provided, single submitter. Criteria: CeGaT Center For Human Genetics Tuebingen Variant Classification Criteria Version 2. Collection method: clinical testing. Allele origin: germline. Affected: yes. Observed: 77 variant alleles.
Comment: CDK13: PP2, BP4, BS1, BS2

Labcorp Genetics (formerly Invitae), Labcorp
Classification: Benign. Last evaluated: 2026-01-26. Review status: criteria provided, single submitter. Criteria: Invitae Variant Classification Sherloc (09022015). Collection method: clinical testing. Allele origin: germline.

NM_003718.5(CDK13):c.2009C>G (p.Thr670Arg)

Gene: CDK13 (cyclin dependent kinase 13; plus strand). Cytogenetic location: 7p14.1.
Variant type: single nucleotide variant.
Coding change: c.2009C>G on transcript NM_003718.5 (MANE Select); coding-DNA position 2009, C replaced by G.
Protein change: p.Thr670Arg; replaces threonine 670 with arginine.
Molecular consequence: missense variant.
Genome position (GRCh38, 1-based): chr7:39,997,631, C>G. VCF-style: chr7-39997631-C-G. GRCh37 (hg19) VCF-style: chr7-40037230-C-G.
Other names: c.2009C>G, p.Thr670Arg (NM_031267.4); short protein forms T670R.
Identifiers: ClinVar variation 717025 (VCV000717025.41), dbSNP rs34775357, ClinGen allele CA4228612.